The following is an entry in ClinVar:

NM_003119.4(SPG7):c.286+3A>G

Gene: SPG7 (SPG7 matrix AAA peptidase subunit, paraplegin; plus strand). Cytogenetic location: 16q24.3.
Variant type: single nucleotide variant.
Coding change: c.286+3A>G on transcript NM_003119.4 (MANE Select); 3 bases into the intron after coding-DNA position 286, A replaced by G.
Molecular consequence: intron variant.
Genome position (GRCh38, 1-based): chr16:89,510,595, A>G. VCF-style: chr16-89510595-A-G. GRCh37 (hg19) VCF-style: chr16-89577003-A-G.
Other names: c.286+3A>G (NM_001363850.1, NM_199367.3).
Identifiers: ClinVar variation 1493089 (VCV001493089.2), dbSNP rs201056405, ClinGen allele CA2573152772.
Genomic context (GRCh38, chr16:89,510,595, plus strand): 5'-GGATTGTTGTTGAAACAACATTTAGTTCAGAATCCAGTCAGACTCTGGCAACTTTTAGGT[A>G]TGTATCTGTTTAAAGAAGCAGCTGAGCATGACTGCACACTTACCGCCTCAGCTACTTGGG-3'

ClinVar aggregate classification (germline): Uncertain significance. Review status: criteria provided, multiple submitters, no conflicts (2 of 4 stars). 2 submissions from 2 submitters: Uncertain significance (2). Last evaluated 2021-02-28.

Conditions:
Hereditary spastic paraplegia 7 (SPG7). Also called: Autosomal recessive spastic paraplegia type 7; SPG7-related neurologic disorder; SPASTIC PARAPLEGIA 7, AUTOSOMAL RECESSIVE, WITH OR WITHOUT CEREBELLAR ATAXIA; Spastic paraplegia 7; Hereditary spastic paraplegia Paraplegin type. Identifiers: Orphanet 99013, MedGen C1846564, MONDO:0011803, OMIM 607259.

gnomAD v4.1: 1 of 1,580,604 alleles (0.000063%); highest among the groups gnomAD compares: Non-Finnish European, 0.000087%; no homozygotes.

Submissions (2):

Labcorp Genetics (formerly Invitae), Labcorp
Classification: Uncertain significance for Hereditary spastic paraplegia 7. Last evaluated: 2021-02-28. Review status: criteria provided, single submitter. Criteria: Invitae Variant Classification Sherloc (09022015). Collection method: clinical testing. Allele origin: germline.
Comment: This sequence change falls in intron 2 of the SPG7 gene. It does not directly change the encoded amino acid sequence of the SPG7 protein. It affects a nucleotide within the consensus splice site of the intron. This variant is not present in population databases (ExAC no frequency). This variant has not been reported in the literature in individuals with SPG7-related conditions. Nucleotide substitutions within the consensus splice site are a relatively common cause of aberrant splicing (PMID: 17576681, 9536098). Algorithms developed to predict the effect of sequence changes on RNA splicing suggest that this variant may disrupt the consensus splice site, but this prediction has not been confirmed by published transcriptional studies. In summary, the available evidence is currently insufficient to determine the role of this variant in disease. Therefore, it has been classified as a Variant of Uncertain Significance.

Breakthrough Genomics
Classification: Uncertain significance. Review status: criteria provided, single submitter. Criteria: ACMG Guidelines, 2015. Collection method: not provided. Allele origin: germline. Inheritance: Autosomal recessive inheritance. Affected: yes.

Literature cited by the submitters: PubMed 17576681 (cited by Labcorp Genetics (formerly Invitae), Labcorp); PubMed 9536098 (cited by Labcorp Genetics (formerly Invitae), Labcorp).